The following is an entry in ClinVar:

ClinVar aggregate classification (germline): Uncertain significance (1 of 4 stars; one submission).

Allele frequency attached by ClinVar (database versions not stated): gnomAD exomes 0.00001; TOPMed 0.00001.
gnomAD v4.1: 16 of 1,608,332 alleles (0.00099%); highest among the groups gnomAD compares: Non-Finnish European, 0.0013%; no homozygotes.

Submission:

Labcorp Genetics (formerly Invitae), Labcorp
Classification: Uncertain significance. Last evaluated: 2023-07-22. Review status: criteria provided, single submitter. Criteria: Invitae Variant Classification Sherloc (09022015). Collection method: clinical testing. Allele origin: germline.
Comment: Advanced modeling of protein sequence and biophysical properties (such as structural, functional, and spatial information, amino acid conservation, physicochemical variation, residue mobility, and thermodynamic stability) performed at Invitae indicates that this missense variant is not expected to disrupt SRCAP protein function. In summary, the available evidence is currently insufficient to determine the role of this variant in disease. Therefore, it has been classified as a Variant of Uncertain Significance. This sequence change replaces alanine, which is neutral and non-polar, with valine, which is neutral and non-polar, at codon 2498 of the SRCAP protein (p.Ala2498Val). This variant is not present in population databases (gnomAD no frequency). This variant has not been reported in the literature in individuals affected with SRCAP-related conditions.

NM_006662.3(SRCAP):c.7493C>T (p.Ala2498Val)

Gene: SRCAP (Snf2 related CREBBP activator protein; plus strand). Cytogenetic location: 16p11.2.
Variant type: single nucleotide variant.
Coding change: c.7493C>T on transcript NM_006662.3 (MANE Select); coding-DNA position 7493, C replaced by T.
Protein change: p.Ala2498Val; replaces alanine 2498 with valine.
Molecular consequence: missense variant.
Genome position (GRCh38, 1-based): chr16:30,737,533, C>T. VCF-style: chr16-30737533-C-T. GRCh37 (hg19) VCF-style: chr16-30748854-C-T.
Other names: short protein forms A2498V.
Identifiers: ClinVar variation 2902508 (VCV002902508.3), dbSNP rs1012051129, ClinGen allele CA280523906.